The following is an entry in ClinVar:

NM_001048174.2(MUTYH):c.23T>C (p.Val8Ala)

Gene: MUTYH (mutY DNA glycosylase; minus strand). Cytogenetic location: 1p34.1.
Variant type: single nucleotide variant.
Coding change: c.23T>C on transcript NM_001048174.2 (MANE Select); coding-DNA position 23, T replaced by C.
Protein change: p.Val8Ala; replaces valine 8 with alanine.
Molecular consequence: missense variant. On other transcripts: 5 prime UTR variant (7), non-coding transcript variant (7).
Genome position (GRCh38, 1-based): chr1:45,334,483, A>G on the plus strand (T>C on the coding strand, the complement: MUTYH is on the minus strand). VCF-style: chr1-45334483-A-G. GRCh37 (hg19) VCF-style: chr1-45800155-A-G.
Other names: c.23T>C, p.Val8Ala (NM_001293195.2, NM_001407070.1, NM_001407071.1 and 15 more transcripts); c.-190T>C (NM_001293196.2, NM_001407091.1, NM_001293192.2); c.-249T>C (NM_001350650.2); c.-185T>C (NM_001350651.2, NM_001407082.1); c.65T>C, p.Val22Ala (NM_001407069.1, NM_001407073.1, NM_012222.3 and 2 more transcripts); c.-134T>C (NM_001407075.1); c.41T>C, p.Val14Ala (NM_001407087.1); short protein forms V22A, V8A, V14A.
Identifiers: ClinVar variation 4113786 (VCV004113786.1).

ClinVar aggregate classification (germline): Uncertain significance (1 of 4 stars; one submission).

Conditions:
Hereditary cancer-predisposing syndrome. Also called: Hereditary neoplastic syndrome; Neoplastic Syndromes, Hereditary; Tumor predisposition; Hereditary Cancer Syndrome. Identifiers: Orphanet 140162, MedGen C0027672, MeSH D009386, MONDO:0015356.

Submission:

Ambry Genetics
Classification: Uncertain significance for Hereditary cancer-predisposing syndrome. Last evaluated: 2025-08-27. Review status: criteria provided, single submitter. Criteria: Ambry Variant Classification Scheme 2023. Collection method: clinical testing. Allele origin: germline.
Comment: The p.V22A variant (also known as c.65T>C), located in coding exon 2 of the MUTYH gene, results from a T to C substitution at nucleotide position 65. The valine at codon 22 is replaced by alanine, an amino acid with similar properties. This amino acid position is conserved. In addition, this alteration is predicted to be tolerated by in silico analysis. Based on the available evidence, the clinical significance of this variant remains unclear.